The following is an entry in ClinVar:

ClinVar aggregate classification (germline): Conflicting classifications of pathogenicity. Review status: criteria provided, conflicting classifications (1 of 4 stars). 3 submissions from 2 submitters: Uncertain significance (1); Benign (1); Likely benign (1). Last evaluated 2018-01-13.

Conditions:
Familial spontaneous pneumothorax (PSP). Identifiers: Orphanet 2903, MedGen C1868193, MONDO:0008259, OMIM 173600.
Birt-Hogg-Dube syndrome. Also called: Birt Hogg Dubé syndrome. Identifiers: Orphanet 122, MedGen C0346010, MONDO:0800444.

Allele frequency attached by ClinVar (database versions not stated): gnomAD 0.00195 and 0.00213; 1000 Genomes Project 30x 0.00219; TOPMed 0.00246; 1000 Genomes Project 0.00260.

Submissions (3):

Illumina Laboratory Services, Illumina
Classification: Benign for Birt-Hogg-Dube syndrome 1. Last evaluated: 2018-01-13. Review status: criteria provided, single submitter. Criteria: ICSL Variant Classification Criteria 13 December 2019. Collection method: clinical testing. Allele origin: germline.
Comment: This variant was observed in the ICSL laboratory as part of a predisposition screen in an ostensibly healthy population. It had not been previously curated by ICSL or reported in the Human Gene Mutation Database (HGMD: prior to June 1st, 2018), and was therefore a candidate for classification through an automated scoring system. Utilizing variant allele frequency, disease prevalence and penetrance estimates, and inheritance mode, an automated score was calculated to assess if this variant is too frequent to cause the disease. Based on the score and internal cut-off values, a variant classified as benign is not then subjected to further curation. The score for this variant resulted in a classification of benign for this disease.

Illumina Laboratory Services, Illumina
Classification: Uncertain significance for Familial spontaneous pneumothorax. Last evaluated: 2018-01-13. Review status: criteria provided, single submitter. Criteria: ICSL Variant Classification Criteria 13 December 2019. Collection method: clinical testing. Allele origin: germline.

GeneDx
Classification: Likely benign. Last evaluated: 2017-04-14. Review status: criteria provided, single submitter. Criteria: GeneDx Variant Classification (06012015). Collection method: clinical testing. Allele origin: germline. Affected: yes.
Comment: This variant is considered likely benign or benign based on one or more of the following criteria: it is a conservative change, it occurs at a poorly conserved position in the protein, it is predicted to be benign by multiple in silico algorithms, and/or has population frequency not consistent with disease.

NM_144997.7(FLCN):c.-29G>A

Gene: FLCN (folliculin; minus strand). Cytogenetic location: 17p11.2.
Variant type: single nucleotide variant.
Coding change: c.-29G>A on transcript NM_144997.7 (MANE Select); 29 bases upstream of the start codon, G replaced by A.
Molecular consequence: 5 prime UTR variant.
Genome position (GRCh38, 1-based): chr17:17,231,798, C>T on the plus strand (G>A on the coding strand, the complement: FLCN is on the minus strand). VCF-style: chr17-17231798-C-T. GRCh37 (hg19) VCF-style: chr17-17135112-C-T.
Other names: c.-29G>A (LRG_325t1, NM_001353229.2, NM_144606.7); c.-312G>A (NM_001353230.2); c.-228G>A (NM_001353231.2).
Identifiers: ClinVar variation 322072 (VCV000322072.5), dbSNP rs151144873, ClinGen allele CA10649611.